The following is an entry in ClinVar:

NM_031889.3(ENAM):c.107del (p.Asn36fs)

Gene: ENAM (enamelin; plus strand). Cytogenetic location: 4q13.3.
Variant type: Deletion.
Coding change: c.107del on transcript NM_031889.3 (MANE Select); coding-DNA position 107, one base deleted (A; older notation c.107delA).
Protein change: p.Asn36fs; shifts the reading frame from asparagine 36.
Molecular consequence: frameshift variant.
Genome position (GRCh38, 1-based): chr4:70,631,722, A deleted; the last of 2 consecutive A bases (chr4:70,631,721-70,631,722); deleting either gives the same sequence. VCF-style (leftmost placement, unchanged base first): chr4-70631720-TA-T. GRCh37 (hg19) VCF-style: chr4-71497437-TA-T.
Other names: short protein forms N36fs.
Identifiers: ClinVar variation 2628824 (VCV002628824.1), dbSNP rs1442845757, ClinGen allele CA439784625.

ClinVar aggregate classification (germline): Likely pathogenic (1 of 4 stars; one submission).

Conditions:
ENAM-related disorder. Also called: ENAM-related condition.

Submission:

PreventionGenetics, part of Exact Sciences
Classification: Likely pathogenic for ENAM-related condition. Last evaluated: 2023-01-27. Review status: criteria provided, single submitter. Criteria: ACMG Guidelines, 2015. Collection method: clinical testing. Allele origin: germline.
Comment: The ENAM c.107delA variant is predicted to result in a frameshift and premature protein termination (p.Asn36Ilefs*22). This variant has not been reported in a large population database, indicating this variant is rare. Frameshift variants in ENAM are expected to be pathogenic. This variant is interpreted as likely pathogenic.